The following is an entry in ClinVar:

ClinVar aggregate classification (germline): Likely benign. Review status: criteria provided, multiple submitters, no conflicts (2 of 4 stars). 8 submissions from 8 submitters: Likely benign (8). Last evaluated 2025-10-07.

Conditions:
Left ventricular noncompaction 10 (LVNC10). Identifiers: Orphanet 154, Orphanet 54260, MedGen C3715165, MONDO:0014163, OMIM 615396.
Hypertrophic cardiomyopathy 4. Also called: Familial hypertrophic cardiomyopathy 4. Identifiers: MedGen C1861862, MONDO:0007268, OMIM 115197.
Cardiovascular phenotype. Identifiers: MedGen CN230736.
Cardiomyopathy (CMYO). Also called: Cardiomyopathies. Identifiers: Orphanet 167848, MedGen C0878544, MONDO:0004994, HP:0001638. Inheritance: Various modes of inheritance.
Hypertrophic cardiomyopathy. Also called: HYPERTROPHIC MYOCARDIOPATHY. Identifiers: Orphanet 217569, MedGen C0007194, MeSH D002312, MONDO:0005045, HP:0001639.

Allele frequency attached by ClinVar (database versions not stated): gnomAD 0.00001; gnomAD exomes 0.00002; ExAC 0.00003.

Submissions (8):

Labcorp Genetics (formerly Invitae), Labcorp
Classification: Likely benign for Hypertrophic cardiomyopathy. Last evaluated: 2025-10-07. Review status: criteria provided, single submitter. Criteria: Invitae Variant Classification Sherloc (09022015). Collection method: clinical testing. Allele origin: germline.

Blueprint Genetics
Classification: Likely benign. Last evaluated: 2024-09-10. Review status: criteria provided, single submitter. Criteria: ACMG Guidelines, 2015. Collection method: clinical testing. Allele origin: germline.

All of Us Research Program, National Institutes of Health
Classification: Likely benign for Hypertrophic cardiomyopathy. Last evaluated: 2023-12-01. Review status: criteria provided, single submitter. Criteria: ACMG Guidelines, 2015. Collection method: clinical testing. Allele origin: germline. Inheritance: Autosomal dominant inheritance. Observed: 2 variant alleles, 2 heterozygotes.
Comment: This study involves interpretation of variants in research participants for the purpose of population health screening. Participant phenotype was not available at the time of variant classification. Additional details can be found in publication PMID: 35346344, PMCID: PMC8962531

Ambry Genetics
Classification: Likely benign for Cardiovascular phenotype. Last evaluated: 2022-01-12. Review status: criteria provided, single submitter. Criteria: Ambry Variant Classification Scheme 2023. Collection method: clinical testing. Allele origin: germline.

Fulgent Genetics
Classification: Likely benign for Hypertrophic cardiomyopathy 4; Left ventricular noncompaction 10. Last evaluated: 2021-09-15. Review status: criteria provided, single submitter. Criteria: ACMG Guidelines, 2015. Collection method: clinical testing. Allele origin: unknown.

Color Diagnostics, LLC DBA Color Health
Classification: Likely benign for Cardiomyopathy. Last evaluated: 2019-10-08. Review status: criteria provided, single submitter. Criteria: ACMG Guidelines, 2015. Collection method: clinical testing. Allele origin: germline.

GeneDx
Classification: Likely benign. Last evaluated: 2018-06-19. Review status: criteria provided, single submitter. Criteria: GeneDx Variant Classification (06012015). Collection method: clinical testing. Allele origin: germline. Affected: yes.
Comment: This variant is considered likely benign or benign based on one or more of the following criteria: it is a conservative change, it occurs at a poorly conserved position in the protein, it is predicted to be benign by multiple in silico algorithms, and/or has population frequency not consistent with disease.

Laboratory for Molecular Medicine, Mass General Brigham Personalized Medicine
Classification: Likely benign. Last evaluated: 2014-08-07. Review status: criteria provided, single submitter. Criteria: LMM Criteria. Collection method: clinical testing. Allele origin: germline. Observed: 1 variant allele.
Comment: Pro645Pro in exon 21 of MYBPC3: This variant is not expected to have clinical si gnificance because it does not alter an amino acid residue and is not located wi thin the splice consensus sequence.

NM_000256.3(MYBPC3):c.1935C>T (p.Pro645=)

Gene: MYBPC3 (myosin binding protein C3; minus strand). Cytogenetic location: 11p11.2.
Variant type: single nucleotide variant.
Coding change: c.1935C>T on transcript NM_000256.3 (MANE Select); coding-DNA position 1935, C replaced by T.
Protein change: p.Pro645=; no amino-acid change (proline 645 retained).
Molecular consequence: synonymous variant.
Genome position (GRCh38, 1-based): chr11:47,339,783, G>A on the plus strand (C>T on the coding strand, the complement: MYBPC3 is on the minus strand). VCF-style: chr11-47339783-G-A. GRCh37 (hg19) VCF-style: chr11-47361334-G-A.
Identifiers: ClinVar variation 164093 (VCV000164093.20), dbSNP rs727503193, ClinGen allele CA011530.